The following is an entry in ClinVar:

ClinVar aggregate classification (germline): Uncertain significance (1 of 4 stars; one submission).

Conditions:
Tay-Sachs disease (TSD). Also called: HEXA DEFICIENCY; GM2 gangliosidosis, type 1; Hexosaminidase alpha-subunit deficiency (variant B); Sphingolipidosis, Tay-Sachs; HEXA Disorders; Hexosaminidase A Deficiency. Identifiers: Orphanet 845, MedGen C0039373, MONDO:0010100, OMIM 272800.

Allele frequency attached by ClinVar (database versions not stated): gnomAD 0.00001.
gnomAD v4.1: 2 of 1,614,080 alleles (0.00012%); highest among the groups gnomAD compares: Non-Finnish European, 0.00017%; no homozygotes.

Submission:

Labcorp Genetics (formerly Invitae), Labcorp
Classification: Uncertain significance for Tay-Sachs disease. Last evaluated: 2021-09-24. Review status: criteria provided, single submitter. Criteria: Invitae Variant Classification Sherloc (09022015). Collection method: clinical testing. Allele origin: germline.
Comment: This sequence change replaces serine with phenylalanine at codon 364 of the HEXA protein (p.Ser364Phe). The serine residue is moderately conserved and there is a large physicochemical difference between serine and phenylalanine. This variant is not present in population databases (ExAC no frequency). This variant has not been reported in the literature in individuals with HEXA-related conditions. Algorithms developed to predict the effect of missense changes on protein structure and function are either unavailable or do not agree on the potential impact of this missense change (SIFT: "Deleterious"; PolyPhen-2: "Probably Damaging"; Align-GVGD: "Class C0"). In summary, the available evidence is currently insufficient to determine the role of this variant in disease. Therefore, it has been classified as a Variant of Uncertain Significance.

NM_000520.6(HEXA):c.1091C>T (p.Ser364Phe)

Gene: HEXA (hexosaminidase subunit alpha; minus strand). Cytogenetic location: 15q23.
Variant type: single nucleotide variant.
Coding change: c.1091C>T on transcript NM_000520.6 (MANE Select); coding-DNA position 1091, C replaced by T.
Protein change: p.Ser364Phe; replaces serine 364 with phenylalanine.
Molecular consequence: missense variant.
Genome position (GRCh38, 1-based): chr15:72,347,741, G>A on the plus strand (C>T on the coding strand, the complement: HEXA is on the minus strand). VCF-style: chr15-72347741-G-A. GRCh37 (hg19) VCF-style: chr15-72640082-G-A.
Other names: c.1124C>T, p.Ser375Phe (NM_001318825.2); short protein forms S364F, S375F.
Identifiers: ClinVar variation 1419724 (VCV001419724.5), dbSNP rs781611898, ClinGen allele CA393061774.